The following is an entry in ClinVar:

Conditions:
Breast-ovarian cancer, familial, susceptibility to, 1 (BROVCA1). Also called: BRCA1 Hereditary Breast and Ovarian Cancer; OVARIAN CANCER, SUSCEPTIBILITY TO. Identifiers: Orphanet 145, MedGen C2676676, MONDO:0011450, OMIM 604370. Disease mechanism: loss of function.

Submission:

Brotman Baty Institute, University of Washington
No classification provided (evidence only). Condition: Breast-ovarian cancer, familial 1. Review status: no classification provided. Collection method: in vitro. Allele origin: not applicable. Functional consequence: functionally_normal.
ClinVar note: "not provided" was previously submitted as the classification for the variant. However, the classification appeared to be based only on an observation of functional data so it was converted to no classification on 2025-07-30.

NM_007294.4(BRCA1):c.5193+27C>G

Gene: BRCA1 (BRCA1 DNA repair associated; minus strand). Cytogenetic location: 17q21.31.
Variant type: single nucleotide variant.
Coding change: c.5193+27C>G on transcript NM_007294.4 (MANE Select); 27 bases into the intron after coding-DNA position 5193, C replaced by G.
Molecular consequence: intron variant.
Genome position (GRCh38, 1-based): chr17:43,063,306, G>C on the plus strand (C>G on the coding strand, the complement: BRCA1 is on the minus strand). VCF-style: chr17-43063306-G-C. GRCh37 (hg19) VCF-style: chr17-41215323-G-C.
Other names: c.5190+27C>G (NM_001407614.1, NM_001407626.1, NM_001407617.1 and 17 more transcripts); c.5256+27C>G (NM_001407587.1, NM_001407585.1, NM_007300.4 and 1 more transcripts); c.1644+27C>G (NM_001408494.1); c.1758+27C>G (NM_001408444.1, NM_001408438.1, NM_001408432.1 and 10 more transcripts); c.1761+27C>G (NM_001408430.1, NM_001408427.1, NM_001408431.1 and 4 more transcripts); c.5064+27C>G (NM_001407682.1, NM_001407689.1, NM_001407681.1 and 6 more transcripts); c.5067+27C>G (NM_001407676.1, NM_001407679.1, NM_001407670.1 and 10 more transcripts); c.4989+27C>G (NM_001407863.1); and 72 more.
Identifiers: ClinVar variation 865137 (VCV000865137.3), dbSNP rs2051847922, ClinGen allele CA916079979.